The following is an entry in ClinVar:

ClinVar aggregate classification (germline): Likely benign (1 of 4 stars; one submission).

Conditions:
Smith-Magenis syndrome (SMS). Also called: CHROMOSOME 17p11.2 DELETION SYNDROME. Identifiers: Orphanet 819, MedGen C0795864, MONDO:0008434, OMIM 182290.

Allele frequency attached by ClinVar (database versions not stated): gnomAD exomes below 0.00001.
gnomAD v4.1: 1 of 1,613,466 alleles (0.000062%); highest among the groups gnomAD compares: Non-Finnish European, 0.000085%; no homozygotes.

Submission:

Centre for Mendelian Genomics, University Medical Centre Ljubljana
Classification: Likely benign for Smith-Magenis syndrome. Last evaluated: 2018-10-10. Review status: criteria provided, single submitter. Criteria: ACMG Guidelines, 2015. Collection method: clinical testing. Allele origin: unknown. Affected: yes.
Comment: This variant was classified as: Likely benign. The following ACMG criteria were applied in classifying this variant: PM2,BP1,BP4.

NM_030665.4(RAI1):c.3760A>G (p.Asn1254Asp)

Gene: RAI1 (retinoic acid induced 1; plus strand). Cytogenetic location: 17p11.2.
Variant type: single nucleotide variant.
Coding change: c.3760A>G on transcript NM_030665.4 (MANE Select); coding-DNA position 3760, A replaced by G.
Protein change: p.Asn1254Asp; replaces asparagine 1254 with aspartic acid.
Molecular consequence: missense variant.
Genome position (GRCh38, 1-based): chr17:17,796,708, A>G. VCF-style: chr17-17796708-A-G. GRCh37 (hg19) VCF-style: chr17-17700022-A-G.
Other names: short protein forms N1254D.
Identifiers: ClinVar variation 930630 (VCV000930630.3), dbSNP rs2032268470, ClinGen allele CA398554879.